The following is an entry in ClinVar:

ClinVar aggregate classification (germline): Conflicting classifications of pathogenicity. Review status: criteria provided, conflicting classifications (1 of 4 stars). 3 submissions from 3 submitters: Uncertain significance (2); Likely benign (1). Last evaluated 2026-06-15.

Conditions:
Legius syndrome. Identifiers: Orphanet 137605, MedGen C1969623, MONDO:0012669, OMIM 611431. Disease mechanism: loss of function.
Cardiovascular phenotype. Identifiers: MedGen CN230736.

gnomAD v4.1: 9 of 1,614,162 alleles (0.00056%); highest among the groups gnomAD compares: South Asian, 0.0088%; no homozygotes.

Submissions (3):

Women's Health and Genetics/Laboratory Corporation of America, LabCorp
Classification: Uncertain significance. Last evaluated: 2026-06-15. Review status: criteria provided, single submitter. Criteria: LabCorp Variant Classification Summary - May 2015. Collection method: clinical testing. Allele origin: germline.
Comment: Variant summary: SPRED1 c.1225G>A (p.Ala409Thr) results in a non-conservative amino acid change in the encoded protein sequence. Algorithms developed to predict the effect of missense changes on protein structure and function are either unavailable or do not agree on the potential impact of this missense change. The variant allele was found at a frequency of 2e-05 in 251192 control chromosomes. The available data on variant occurrences in the general population are insufficient to allow any conclusion about variant significance. To our knowledge, no occurrence of c.1225G>A in individuals affected with SPRED1-related conditions and no experimental evidence demonstrating its impact on protein function have been reported. ClinVar contains an entry for this variant (Variation ID: 2162434). Based on the evidence outlined above, the variant was classified as uncertain significance.

Ambry Genetics
Classification: Likely benign for Cardiovascular phenotype. Last evaluated: 2025-02-08. Review status: criteria provided, single submitter. Criteria: Ambry Variant Classification Scheme 2023. Collection method: clinical testing. Allele origin: germline.

Labcorp Genetics (formerly Invitae), Labcorp
Classification: Uncertain significance for Legius syndrome. Last evaluated: 2023-02-15. Review status: criteria provided, single submitter. Criteria: Invitae Variant Classification Sherloc (09022015). Collection method: clinical testing. Allele origin: germline.
Comment: In summary, the available evidence is currently insufficient to determine the role of this variant in disease. Therefore, it has been classified as a Variant of Uncertain Significance. Advanced modeling of protein sequence and biophysical properties (such as structural, functional, and spatial information, amino acid conservation, physicochemical variation, residue mobility, and thermodynamic stability) performed at Invitae indicates that this missense variant is not expected to disrupt SPRED1 protein function. This variant has not been reported in the literature in individuals affected with SPRED1-related conditions. This variant is present in population databases (rs762735151, gnomAD 0.02%). This sequence change replaces alanine, which is neutral and non-polar, with threonine, which is neutral and polar, at codon 409 of the SPRED1 protein (p.Ala409Thr).

NM_152594.3(SPRED1):c.1225G>A (p.Ala409Thr)

Gene: SPRED1 (sprouty related EVH1 domain containing 1; plus strand). Cytogenetic location: 15q14.
Variant type: single nucleotide variant.
Coding change: c.1225G>A on transcript NM_152594.3 (MANE Select); coding-DNA position 1225, G replaced by A.
Protein change: p.Ala409Thr; replaces alanine 409 with threonine.
Molecular consequence: missense variant.
Genome position (GRCh38, 1-based): chr15:38,351,554, G>A. VCF-style: chr15-38351554-G-A. GRCh37 (hg19) VCF-style: chr15-38643755-G-A.
Other names: c.1225G>A (NM_152594.2); short protein forms A409T.
Identifiers: ClinVar variation 2162434 (VCV002162434.6), dbSNP rs762735151, ClinGen allele CA7470251.